The following is an entry in ClinVar:

NM_002335.4(LRP5):c.3902C>T (p.Ala1301Val)

Gene: LRP5 (LDL receptor related protein 5; plus strand). Cytogenetic location: 11q13.2.
Variant type: single nucleotide variant.
Coding change: c.3902C>T on transcript NM_002335.4 (MANE Select); coding-DNA position 3902, C replaced by T.
Protein change: p.Ala1301Val; replaces alanine 1301 with valine.
Molecular consequence: missense variant.
Genome position (GRCh38, 1-based): chr11:68,433,740, C>T. VCF-style: chr11-68433740-C-T. GRCh37 (hg19) VCF-style: chr11-68201208-C-T.
Other names: c.2159C>T, p.Ala720Val (NM_001291902.2); short protein forms A1301V, A720V.
Identifiers: ClinVar variation 1476275 (VCV001476275.8), dbSNP rs2153178662, ClinGen allele CA381613868.

ClinVar aggregate classification (germline): Uncertain significance (1 of 4 stars; one submission).

gnomAD v4.1: 1 of 1,612,870 alleles (0.000062%); highest among the groups gnomAD compares: South Asian, 0.0011%; no homozygotes.

Submission:

Labcorp Genetics (formerly Invitae), Labcorp
Classification: Uncertain significance. Last evaluated: 2021-03-26. Review status: criteria provided, single submitter. Criteria: Invitae Variant Classification Sherloc (09022015). Collection method: clinical testing. Allele origin: germline.
Comment: This sequence change replaces alanine with valine at codon 1301 of the LRP5 protein (p.Ala1301Val). The alanine residue is moderately conserved and there is a small physicochemical difference between alanine and valine. This variant is not present in population databases (ExAC no frequency). This variant has not been reported in the literature in individuals with LRP5-related conditions. Advanced modeling of protein sequence and biophysical properties (such as structural, functional, and spatial information, amino acid conservation, physicochemical variation, residue mobility, and thermodynamic stability) performed at Invitae indicates that this missense variant is not expected to disrupt LRP5 protein function. In summary, the available evidence is currently insufficient to determine the role of this variant in disease. Therefore, it has been classified as a Variant of Uncertain Significance.